The following is an entry in ClinVar:

NM_001042492.3(NF1):c.3749G>T (p.Arg1250Leu)

Gene: NF1 (neurofibromin 1; plus strand). Cytogenetic location: 17q11.2.
Variant type: single nucleotide variant.
Coding change: c.3749G>T on transcript NM_001042492.3 (MANE Select); coding-DNA position 3749, G replaced by T.
Protein change: p.Arg1250Leu; replaces arginine 1250 with leucine.
Molecular consequence: missense variant.
Genome position (GRCh38, 1-based): chr17:31,235,651, G>T. VCF-style: chr17-31235651-G-T. GRCh37 (hg19) VCF-style: chr17-29562669-G-T.
Other names: c.3749G>T, p.Arg1250Leu (NM_000267.4); short protein forms R1250L.
Identifiers: ClinVar variation 574021 (VCV000574021.5), dbSNP rs199474765, ClinGen allele CA398992455.

ClinVar aggregate classification (germline): Uncertain significance (1 of 4 stars; one submission).

Conditions:
Neurofibromatosis, type 1 (NF1). Also called: Peripheral type neurofibromatosis; VON RECKLINGHAUSEN DISEASE; Neurofibromatosis, type I; NEUROFIBROMATOSIS, TYPE I, SOMATIC. Identifiers: Orphanet 636, MedGen C0027831, MONDO:0018975, OMIM 162200. Disease mechanism: loss of function.

Allele frequency attached by ClinVar (database versions not stated): gnomAD exomes below 0.00001.

Submission:

Labcorp Genetics (formerly Invitae), Labcorp
Classification: Uncertain significance for Neurofibromatosis, type 1. Last evaluated: 2024-07-29. Review status: criteria provided, single submitter. Criteria: Invitae Variant Classification Sherloc (09022015). Collection method: clinical testing. Allele origin: germline.
Comment: This sequence change replaces arginine, which is basic and polar, with leucine, which is neutral and non-polar, at codon 1250 of the NF1 protein (p.Arg1250Leu). This variant is present in population databases (no rsID available, gnomAD 0.0009%). This variant has not been reported in the literature in individuals affected with NF1-related conditions. ClinVar contains an entry for this variant (Variation ID: 574021). Advanced modeling of protein sequence and biophysical properties (such as structural, functional, and spatial information, amino acid conservation, physicochemical variation, residue mobility, and thermodynamic stability) performed at Invitae indicates that this missense variant is expected to disrupt NF1 protein function with a positive predictive value of 95%. In summary, the available evidence is currently insufficient to determine the role of this variant in disease. Therefore, it has been classified as a Variant of Uncertain Significance.